The following is an entry in ClinVar:

NM_001042492.3(NF1):c.198dup (p.Asn67fs)

Gene: NF1 (neurofibromin 1; plus strand). Cytogenetic location: 17q11.2.
Variant type: Duplication.
Coding change: c.198dup on transcript NM_001042492.3 (MANE Select); coding-DNA position 198, one base duplicated (C; older notation c.198dupC).
Protein change: p.Asn67fs; shifts the reading frame from asparagine 67.
Molecular consequence: frameshift variant.
Genome position (GRCh38, 1-based): chr17:31,156,120, C duplicated. VCF-style (leftmost placement, unchanged base first): chr17-31156119-A-AC. GRCh37 (hg19) VCF-style: chr17-29483137-A-AC.
Other names: c.198dup, p.Asn67Glnfs (NM_000267.4); c.198dup, p.Asn67fs (NM_001128147.3); short protein forms N67fs.
Identifiers: ClinVar variation 1378180 (VCV001378180.6), dbSNP rs2143627611, ClinGen allele CA2573153524.
Genomic context (GRCh38, chr17:31,156,119, plus strand): 5'-TTTCCAAATACAAGTTTTCTTTGGTTATAAGCGGCCTCACTACTATTTTAAAGAATGTTA[A>AC]CAATATGGTGAGTATTTGGGTTACTGTGTTTTGGGGAATTTGCTTTCTTTTCTTTTTGAT-3'

ClinVar aggregate classification (germline): Pathogenic (1 of 4 stars; one submission).

Conditions:
Neurofibromatosis, type 1 (NF1). Also called: VON RECKLINGHAUSEN DISEASE; Peripheral type neurofibromatosis; Neurofibromatosis, type I; NEUROFIBROMATOSIS, TYPE I, SOMATIC. Identifiers: Orphanet 636, MedGen C0027831, MONDO:0018975, OMIM 162200. Disease mechanism: loss of function.

Submission:

Labcorp Genetics (formerly Invitae), Labcorp
Classification: Pathogenic for Neurofibromatosis, type 1. Last evaluated: 2022-11-15. Review status: criteria provided, single submitter. Criteria: Invitae Variant Classification Sherloc (09022015). Collection method: clinical testing. Allele origin: germline.
Comment: This sequence change creates a premature translational stop signal (p.Asn67Glnfs*10) in the NF1 gene. It is expected to result in an absent or disrupted protein product. Loss-of-function variants in NF1 are known to be pathogenic (PMID: 10712197, 23913538). For these reasons, this variant has been classified as Pathogenic. ClinVar contains an entry for this variant (Variation ID: 1378180). This variant has not been reported in the literature in individuals affected with NF1-related conditions. This variant is not present in population databases (gnomAD no frequency).

Literature cited by the submitters: PubMed 10712197; PubMed 23913538.